The following is an entry in ClinVar:

ClinVar aggregate classification (germline): Uncertain significance (1 of 4 stars; one submission).

Conditions:
Hereditary cancer-predisposing syndrome. Also called: Neoplastic Syndromes, Hereditary; Tumor predisposition; Hereditary Cancer Syndrome; Hereditary neoplastic syndrome. Identifiers: Orphanet 140162, MedGen C0027672, MeSH D009386, MONDO:0015356.

Submission:

Ambry Genetics
Classification: Uncertain significance for Hereditary cancer-predisposing syndrome. Last evaluated: 2022-01-18. Review status: criteria provided, single submitter. Criteria: Ambry Variant Classification Scheme 2023. Collection method: clinical testing. Allele origin: germline.
Comment: The p.F264L variant (also known as c.792T>G), located in coding exon 6 of the STK11 gene, results from a T to G substitution at nucleotide position 792. The phenylalanine at codon 264 is replaced by leucine, an amino acid with highly similar properties. This amino acid position is conserved. In addition, this alteration is predicted to be tolerated by in silico analysis. Since supporting evidence is limited at this time, the clinical significance of this alteration remains unclear.

NM_000455.5(STK11):c.792T>G (p.Phe264Leu)

Gene: STK11 (serine/threonine kinase 11; plus strand). Cytogenetic location: 19p13.3.
Variant type: single nucleotide variant.
Coding change: c.792T>G on transcript NM_000455.5 (MANE Select); coding-DNA position 792, T replaced by G.
Protein change: p.Phe264Leu; replaces phenylalanine 264 with leucine.
Molecular consequence: missense variant.
Genome position (GRCh38, 1-based): chr19:1,221,270, T>G. VCF-style: chr19-1221270-T-G. GRCh37 (hg19) VCF-style: chr19-1221269-T-G.
Other names: c.792T>G, p.Phe264Leu (NM_001407255.1); short protein forms F264L.
Identifiers: ClinVar variation 1761286 (VCV001761286.2), dbSNP rs1599927625, ClinGen allele CA402950521.